The following is an entry in ClinVar:

ClinVar aggregate classification (germline): Uncertain significance (1 of 4 stars; one submission).

Allele frequency attached by ClinVar (database versions not stated): gnomAD exomes below 0.00001; ExAC 0.00001; gnomAD 0.00001.
gnomAD v4.1: 4 of 1,609,446 alleles (0.00025%); highest among the groups gnomAD compares: Non-Finnish European, 0.00034%; no homozygotes.

Submission:

Labcorp Genetics (formerly Invitae), Labcorp
Classification: Uncertain significance. Last evaluated: 2022-07-06. Review status: criteria provided, single submitter. Criteria: Invitae Variant Classification Sherloc (09022015). Collection method: clinical testing. Allele origin: germline.
Comment: This sequence change replaces leucine, which is neutral and non-polar, with valine, which is neutral and non-polar, at codon 558 of the AP3B2 protein (p.Leu558Val). This variant is present in population databases (rs769945624, gnomAD 0.0009%). This variant has not been reported in the literature in individuals affected with AP3B2-related conditions. Algorithms developed to predict the effect of missense changes on protein structure and function are either unavailable or do not agree on the potential impact of this missense change (SIFT: "Tolerated"; PolyPhen-2: "Possibly Damaging"; Align-GVGD: "Class C0"). Algorithms developed to predict the effect of sequence changes on RNA splicing suggest that this variant may create or strengthen a splice site. In summary, the available evidence is currently insufficient to determine the role of this variant in disease. Therefore, it has been classified as a Variant of Uncertain Significance.

NM_001278512.2(AP3B2):c.1672C>G (p.Leu558Val)

Genes: AP3B2 (adaptor related protein complex 3 subunit beta 2; minus strand), CPEB1-AS1 (CPEB1 antisense RNA 1; plus strand). Cytogenetic location: 15q25.2.
Variant type: single nucleotide variant.
Coding change: c.1672C>G on transcript NM_001278512.2 (MANE Select); coding-DNA position 1672, C replaced by G.
Protein change: p.Leu558Val; replaces leucine 558 with valine.
Molecular consequence: missense variant.
Genome position (GRCh38, 1-based): chr15:82,666,927, G>C on the plus strand (C>G on the coding strand, the complement: AP3B2 is on the minus strand). VCF-style: chr15-82666927-G-C. GRCh37 (hg19) VCF-style: chr15-83335679-G-C.
Other names: c.1576C>G, p.Leu526Val (NM_001278511.2); c.1672C>G, p.Leu558Val (NM_004644.5); short protein forms L526V, L558V.
Identifiers: ClinVar variation 1970327 (VCV001970327.5), dbSNP rs769945624, ClinGen allele CA7700136.